The following is an entry in ClinVar:

ClinVar aggregate classification (germline): Conflicting classifications of pathogenicity. Review status: criteria provided, conflicting classifications (1 of 4 stars). 5 submissions from 5 submitters: Pathogenic (2); Likely pathogenic (2); Uncertain significance (1). Last evaluated 2026-06-23.

Conditions:
NF1-related disorder. Also called: NF1-related condition. Identifiers: MedGen CN379171.
Hereditary cancer-predisposing syndrome. Also called: Neoplastic Syndromes, Hereditary; Hereditary Cancer Syndrome; Hereditary neoplastic syndrome; Tumor predisposition. Identifiers: Orphanet 140162, MedGen C0027672, MeSH D009386, MONDO:0015356.
Cardiovascular phenotype. Identifiers: MedGen CN230736.
Neurofibromatosis, type 1 (NF1). Also called: VON RECKLINGHAUSEN DISEASE; Neurofibromatosis, type I; Peripheral type neurofibromatosis; NEUROFIBROMATOSIS, TYPE I, SOMATIC. Identifiers: Orphanet 636, MedGen C0027831, MONDO:0018975, OMIM 162200. Disease mechanism: loss of function.

Submissions (5):

Ambry Genetics
Classification: Likely pathogenic for Cardiovascular phenotype; Hereditary cancer-predisposing syndrome. Last evaluated: 2026-06-23. Review status: criteria provided, single submitter. Criteria: Ambry Variant Classification Scheme 2023. Collection method: clinical testing. Allele origin: germline.
Comment: The p.D1828V variant (also known as c.5483A>T), located in coding exon 37 of the NF1 gene, results from an A to T substitution at nucleotide position 5483. The aspartic acid at codon 1828 is replaced by valine, an amino acid with highly dissimilar properties. This variant was reported in individual(s) with features consistent with neurofibromatosis type 1 (Melloni G et al. Cancers (Basel), 2019 Nov;11; Giugliano T et al. Genes (Basel), 2019 Jul;10; Assunto A et al. Orphanet J Rare Dis, 2019 Nov;14:261; Ambry internal data). This missense variant is located in a region that has a low rate of benign missense variation (Lek M et al. Nature. 2016 Aug 18;536(7616):285-91; DECIPHER: Database of Chromosomal Imbalance and Phenotype in Humans using Ensembl Resources. Firth H.V. et al. 2009. Am.J.Hum.Genet. 84, 524-533 (DOI)). This variant is considered to be rare based on population cohorts in the Genome Aggregation Database (gnomAD). This amino acid position is highly conserved in available vertebrate species. In addition, this alteration is predicted to be deleterious by in silico analysis. Based on the majority of available evidence to date, this variant is likely to be pathogenic.

Labcorp Genetics (formerly Invitae), Labcorp
Classification: Pathogenic for Neurofibromatosis, type 1. Last evaluated: 2025-09-13. Review status: criteria provided, single submitter. Criteria: Invitae Variant Classification Sherloc (09022015). Collection method: clinical testing. Allele origin: germline.
Comment: This sequence change replaces aspartic acid, which is acidic and polar, with valine, which is neutral and non-polar, at codon 1828 of the NF1 protein (p.Asp1828Val). This variant is not present in population databases (gnomAD no frequency). This missense change has been observed in individual(s) with neurofibromatosis type 1 (PMID: 28422438, 31766501). Invitae Evidence Modeling of clinical and family history, age, sex, and reported ancestry of multiple individuals with this NF1 variant has been performed. This variant is expected to be pathogenic with a positive predictive value of at least 99%. This is a validated machine learning model that incorporates the clinical features of 1,785,918 individuals referred to our laboratory for NF1 testing. ClinVar contains an entry for this variant (Variation ID: 643423). Invitae Evidence Modeling of protein sequence and biophysical properties (such as structural, functional, and spatial information, amino acid conservation, physicochemical variation, residue mobility, and thermodynamic stability) indicates that this missense variant is expected to disrupt NF1 protein function with a positive predictive value of 95%. For these reasons, this variant has been classified as Pathogenic.

GeneDx
Classification: Pathogenic. Last evaluated: 2024-12-18. Review status: criteria provided, single submitter. Criteria: GeneDx Variant Classification Process June 2021. Collection method: clinical testing. Allele origin: germline. Affected: yes.
Comment: Not observed at significant frequency in large population cohorts (gnomAD); In silico analysis supports that this missense variant has a deleterious effect on protein structure/function; This variant is associated with the following publications: (PMID: 31370276, 21520333, 28422438, 31730495, 31766501, 36980803, Douben2023[Functional study])

Blueprint Genetics
Classification: Likely pathogenic for NF1-related disorders. Last evaluated: 2024-04-30. Review status: criteria provided, single submitter. Criteria: ACMG Guidelines, 2015. Collection method: clinical testing. Allele origin: germline. Affected: yes. Observed: 2 variant alleles.

Genome-Nilou Lab
Classification: Uncertain significance for Neurofibromatosis, type 1. Last evaluated: 2022-03-15. Review status: criteria provided, single submitter. Criteria: ACMG Guidelines, 2015. Collection method: clinical testing. Allele origin: germline. Affected: no.

Literature cited by the submitters: PubMed 31370276 (cited by Ambry Genetics); PubMed 31730495 (cited by Ambry Genetics); PubMed 31766501 (cited by Ambry Genetics and Labcorp Genetics (formerly Invitae), Labcorp); PubMed 28422438 (cited by Labcorp Genetics (formerly Invitae), Labcorp).

NM_001042492.3(NF1):c.5546A>T (p.Asp1849Val)

Gene: NF1 (neurofibromin 1; plus strand). Cytogenetic location: 17q11.2.
Variant type: single nucleotide variant.
Coding change: c.5546A>T on transcript NM_001042492.3 (MANE Select); coding-DNA position 5546, A replaced by T.
Protein change: p.Asp1849Val; replaces aspartic acid 1849 with valine.
Molecular consequence: missense variant.
Genome position (GRCh38, 1-based): chr17:31,327,776, A>T. VCF-style: chr17-31327776-A-T. GRCh37 (hg19) VCF-style: chr17-29654794-A-T.
Other names: c.5483A>T, p.Asp1828Val (NM_000267.4); short protein forms D1849V, D1828V.
Identifiers: ClinVar variation 643423 (VCV000643423.13), dbSNP rs1170679293, ClinGen allele CA399009838.
Genomic context (GRCh38, chr17:31,327,776, plus strand): 5'-CCCGCTGGGAACTGTCACAGCCCGACTCTATCCCCCAACACACCAAGATTCGGCCAAAAG[A>T]TGTCCCTGGGACACTGCTCAATATCGCATTACTTAATTTAGGCAGTTCTGACCCGAGTTT-3'
Protein context (NP_001035957.1, residues 1839-1859): IPQHTKIRPK[Asp1849Val]VPGTLLNIAL